The following is an entry in ClinVar:

ClinVar aggregate classification (germline): Likely pathogenic (1 of 4 stars; one submission).

Submission:

Greenwood Genetic Center Diagnostic Laboratories, Greenwood Genetic Center
Classification: Likely pathogenic. Last evaluated: 2022-08-30. Review status: criteria provided, single submitter. Criteria: ACMG Guidelines, 2015. Collection method: clinical testing. Allele origin: germline. Affected: yes.
Comment: PS2 PM2 PM1

NM_001694.4(ATP6V0C):c.404T>C (p.Leu135Pro)

Gene: ATP6V0C (ATPase H+ transporting V0 subunit c; plus strand). Cytogenetic location: 16p13.3.
Variant type: single nucleotide variant.
Coding change: c.404T>C on transcript NM_001694.4 (MANE Select); coding-DNA position 404, T replaced by C.
Protein change: p.Leu135Pro; replaces leucine 135 with proline.
Molecular consequence: missense variant.
Genome position (GRCh38, 1-based): chr16:2,519,681, T>C. VCF-style: chr16-2519681-T-C. GRCh37 (hg19) VCF-style: chr16-2569682-T-C.
Other names: c.404T>C, p.Leu135Pro (NM_001198569.2); short protein forms L135P.
Identifiers: ClinVar variation 1710383 (VCV001710383.3), dbSNP rs2505559100, ClinGen allele CA394388694.